The following is an entry in ClinVar:

NM_004006.3(DMD):c.6101A>T (p.Gln2034Leu)

Gene: DMD (dystrophin; minus strand). Cytogenetic location: Xp21.1.
Variant type: single nucleotide variant.
Coding change: c.6101A>T on transcript NM_004006.3 (MANE Select); coding-DNA position 6101, A replaced by T.
Protein change: p.Gln2034Leu; replaces glutamine 2034 with leucine.
Molecular consequence: missense variant.
Genome position (GRCh38, 1-based): chrX:32,310,098, T>A on the plus strand (A>T on the coding strand, the complement: DMD is on the minus strand). VCF-style: chrX-32310098-T-A. GRCh37 (hg19) VCF-style: chrX-32328215-T-A.
Other names: p.Q2034L:CAA>CTA; c.6077A>T, p.Gln2026Leu (NM_000109.4); c.6089A>T, p.Gln2030Leu (NM_004009.3); c.5732A>T, p.Gln1911Leu (NM_004010.3); c.2078A>T, p.Gln693Leu (NM_004011.4); c.2069A>T, p.Gln690Leu (NM_004012.4); short protein forms Q2034L, Q1911L, Q2026L, Q2030L, Q690L, Q693L.
Identifiers: ClinVar variation 201737 (VCV000201737.14), dbSNP rs144754029, ClinGen allele CA308361.

ClinVar aggregate classification (germline): Uncertain significance. Review status: criteria provided, multiple submitters, no conflicts (2 of 4 stars). 5 submissions from 5 submitters: Uncertain significance (4). 1 of the submissions does not count toward it. Last evaluated 2025-10-29.

Conditions:
Cardiomyopathy (CMYO). Also called: Cardiomyopathies. Identifiers: Orphanet 167848, MedGen C0878544, MONDO:0004994, HP:0001638. Inheritance: Various modes of inheritance.
Duchenne muscular dystrophy (DMD). Also called: MUSCULAR DYSTROPHY, PSEUDOHYPERTROPHIC PROGRESSIVE, DUCHENNE TYPE; Duchenne Muscular Dystrophy (DMD). Identifiers: Orphanet 98896, MedGen C0013264, MONDO:0010679, OMIM 310200.
Becker muscular dystrophy (BMD). Also called: Becker Muscular Dystrophy (BMD); MUSCULAR DYSTROPHY, PSEUDOHYPERTROPHIC PROGRESSIVE, BECKER TYPE. Identifiers: Orphanet 98895, MedGen C0917713, MONDO:0010311, OMIM 300376.
Dystrophin deficiency.
Cardiovascular phenotype. Identifiers: MedGen CN230736.

Allele frequency attached by ClinVar (database versions not stated): gnomAD 0.00002; TOPMed 0.00002; ESP Exome Variant Server 0.00009; gnomAD exomes below 0.00001 and 0.00001; ExAC 0.00002.
gnomAD v4.1: 7 of 1,207,192 alleles (0.00058%); highest among the groups gnomAD compares: African/African-American, 0.0088%; no homozygotes.

Submissions (5):

Labcorp Genetics (formerly Invitae), Labcorp
Classification: Uncertain significance for Duchenne muscular dystrophy. Last evaluated: 2025-10-29. Review status: criteria provided, single submitter. Criteria: Invitae Variant Classification Sherloc (09022015). Collection method: clinical testing. Allele origin: germline.
Comment: This sequence change replaces glutamine, which is neutral and polar, with leucine, which is neutral and non-polar, at codon 2034 of the DMD protein (p.Gln2034Leu). This variant is present in population databases (rs144754029, gnomAD 0.02%). This variant has not been reported in the literature in individuals affected with DMD-related conditions. ClinVar contains an entry for this variant (Variation ID: 201737). Invitae Evidence Modeling of protein sequence and biophysical properties (such as structural, functional, and spatial information, amino acid conservation, physicochemical variation, residue mobility, and thermodynamic stability) indicates that this missense variant is not expected to disrupt DMD protein function with a negative predictive value of 95%. In summary, the available evidence is currently insufficient to determine the role of this variant in disease. Therefore, it has been classified as a Variant of Uncertain Significance.

Ambry Genetics
Classification: Uncertain significance for Cardiovascular phenotype. Last evaluated: 2023-10-31. Review status: criteria provided, single submitter. Criteria: Ambry Variant Classification Scheme 2023. Collection method: clinical testing. Allele origin: germline.
Comment: The p.Q2034L variant (also known as c.6101A>T), located in coding exon 42 of the DMD gene, results from an A to T substitution at nucleotide position 6101. The glutamine at codon 2034 is replaced by leucine, an amino acid with dissimilar properties. Based on data from gnomAD, the T allele has an overall frequency of 0.001% (3/203926) total alleles studied, with 0 hemizygote(s) observed. The highest observed frequency was 0.02% (3/19005) of African alleles. This amino acid position is highly conserved in available vertebrate species. In addition, the in silico prediction for this alteration is inconclusive. Since supporting evidence is limited at this time, the clinical significance of this alteration remains unclear.

Eurofins Ntd Llc (ga)
Classification: Uncertain significance. Last evaluated: 2018-02-27. Review status: criteria provided, single submitter. Criteria: EGL ClinVar v180209 classification definitions. Collection method: clinical testing. Allele origin: germline. Observed: 1 variant allele, 1 heterozygote.

GeneDx
Classification: Uncertain significance. Last evaluated: 2017-09-19. Review status: criteria provided, single submitter. Criteria: GeneDx Variant Classification (06012015). Collection method: clinical testing. Allele origin: germline. Affected: yes.
Comment: The Q2034L variant of uncertain significance in the DMD gene has not been published as a pathogenic variant or been reported as a benign variant to our knowledge. This variant was not observed with any significant frequency in approximately 6,500 individuals of European and African American ancestry in the NHLBI Exome Sequencing Project. The Q2034L variant is a non-conservative amino acid substitution, which is likely to impact secondary protein structure as these residues differ in polarity, charge, size and/or other properties. Additionally, this substitution occurs at a position that is conserved across species. Consequently, in silico analysis predicts this variant is probably damaging to the protein structure/function. Nevertheless, no missense variants in nearby residues have been reported in the Human Gene Mutation Database in association with DMD-related disorders, and most reported pathogenic variants in the DMD gene are truncating variants. Therefore, based on the currently available information, it is unclear whether this variant is pathogenic or benign.

Natera, Inc.
Classification: Uncertain significance for Becker muscular dystrophy; Cardiomyopathy; Duchenne muscular dystrophy; Dystrophin deficiency. Last evaluated: 2018-04-27. Review status: no assertion criteria provided. Collection method: clinical testing. Allele origin: germline. Not counted in ClinVar's aggregate classification.